The following is an entry in ClinVar:

ClinVar aggregate classification (germline): Uncertain significance (1 of 4 stars; one submission).

Conditions:
Short-rib thoracic dysplasia 13 with or without polydactyly (SRTD13). Identifiers: Orphanet 474, MedGen C4225378, MONDO:0014577, OMIM 616300.

Allele frequency attached by ClinVar (database versions not stated): TOPMed below 0.00001; gnomAD 0.00001.
gnomAD v4.1: 28 of 1,611,484 alleles (0.0017%); highest among the groups gnomAD compares: Non-Finnish European, 0.0024%; no homozygotes.

Submission:

Labcorp Genetics (formerly Invitae), Labcorp
Classification: Uncertain significance for Short-rib thoracic dysplasia 13 with or without polydactyly. Last evaluated: 2022-03-06. Review status: criteria provided, single submitter. Criteria: Invitae Variant Classification Sherloc (09022015). Collection method: clinical testing. Allele origin: germline.
Comment: This sequence change replaces glutamic acid, which is acidic and polar, with aspartic acid, which is acidic and polar, at codon 767 of the CEP120 protein (p.Glu767Asp). This variant is present in population databases (no rsID available, gnomAD 0.0009%). This variant has not been reported in the literature in individuals affected with CEP120-related conditions. Algorithms developed to predict the effect of missense changes on protein structure and function output the following: SIFT: "Tolerated"; PolyPhen-2: "Benign"; Align-GVGD: "Class C0". The aspartic acid amino acid residue is found in multiple mammalian species, which suggests that this missense change does not adversely affect protein function. In summary, the available evidence is currently insufficient to determine the role of this variant in disease. Therefore, it has been classified as a Variant of Uncertain Significance.

NM_001375405.1(CEP120):c.2301A>C (p.Glu767Asp)

Gene: CEP120 (centrosomal protein 120; minus strand). Cytogenetic location: 5q23.2.
Variant type: single nucleotide variant.
Coding change: c.2301A>C on transcript NM_001375405.1 (MANE Select); coding-DNA position 2301, A replaced by C.
Protein change: p.Glu767Asp; replaces glutamic acid 767 with aspartic acid.
Molecular consequence: missense variant. On other transcripts: non-coding transcript variant (1).
Genome position (GRCh38, 1-based): chr5:123,377,431, T>G on the plus strand (A>C on the coding strand, the complement: CEP120 is on the minus strand). VCF-style: chr5-123377431-T-G. GRCh37 (hg19) VCF-style: chr5-122713125-T-G.
Other names: c.2223A>C, p.Glu741Asp (NM_001166226.2); c.2166A>C, p.Glu722Asp (NM_001375406.1); c.2301A>C, p.Glu767Asp (NM_001375407.1, NM_153223.4); c.1728A>C, p.Glu576Asp (NM_001375408.1, NM_001375409.1); short protein forms E722D, E576D, E741D, E767D.
Identifiers: ClinVar variation 1957145 (VCV001957145.5), dbSNP rs1482472714, ClinGen allele CA360898386.